The following is an entry in ClinVar:

NM_177987.3(TUBB8):c.209C>T (p.Pro70Leu)

Gene: TUBB8 (tubulin beta 8 class VIII; minus strand). Cytogenetic location: 10p15.3.
Variant type: single nucleotide variant.
Coding change: c.209C>T on transcript NM_177987.3 (MANE Select); coding-DNA position 209, C replaced by T.
Protein change: p.Pro70Leu; replaces proline 70 with leucine.
Molecular consequence: missense variant. On other transcripts: 5 prime UTR variant (2).
Genome position (GRCh38, 1-based): chr10:48,683, G>A on the plus strand (C>T on the coding strand, the complement: TUBB8 is on the minus strand). VCF-style: chr10-48683-G-A. GRCh37 (hg19) VCF-style: chr10-94623-G-A.
Other names: c.-8C>T (NM_001389618.1, NM_001389619.1); short protein forms P70L.
Identifiers: ClinVar variation 3382424 (VCV003382424.2).

ClinVar aggregate classification (germline): Uncertain significance (1 of 4 stars; one submission).

Conditions:
Oocyte maturation defect 2 (OZEMA2). Also called: OOCYTE/ZYGOTE/EMBRYO MATURATION ARREST 2. Identifiers: MedGen C4225210, MONDO:0021573, OMIM 616780.

gnomAD v4.1: 14 of 1,612,160 alleles (0.00087%); highest among the groups gnomAD compares: Admixed American, 0.0017%; no homozygotes.

Submission:

Juno Genomics, Hangzhou Juno Genomics, Inc
Classification: Uncertain significance for Oocyte maturation defect 2. Review status: criteria provided, single submitter. Criteria: ACMG Guidelines, 2015. Collection method: clinical testing. Allele origin: germline. Affected: yes.
Comment: Absent from controls (or at extremely low frequency if recessive) in Genome Aggregation Database, Exome Sequencing Project, 1000 Genomes Project, or Exome Aggregation Consortium.;For recessive disorders, detected in trans with a pathogenic variant.;Patient's phenotype or family history is highly specific for a disease with a single genetic etiology.